The following is an entry in ClinVar:

ClinVar aggregate classification (germline): Uncertain significance (1 of 4 stars; one submission).

Conditions:
Hypertrophic cardiomyopathy 2. Also called: TNNT2-Related Familial Hypertrophic Cardiomyopathy. Identifiers: MedGen C1861864, MONDO:0007266, OMIM 115195.
Dilated cardiomyopathy 1D. Identifiers: Orphanet 154, Orphanet 54260, MedGen C1832243, MONDO:0011095, OMIM 601494.
Cardiomyopathy, familial restrictive, 3. Identifiers: Orphanet 75249, MedGen C2676271, MONDO:0012900, OMIM 612422.

gnomAD v4.1: 1 of 1,614,134 alleles (0.000062%); highest among the groups gnomAD compares: Non-Finnish European, 0.000085%; no homozygotes.

Submission:

Labcorp Genetics (formerly Invitae), Labcorp
Classification: Uncertain significance for Cardiomyopathy, familial restrictive, 3; Hypertrophic cardiomyopathy 2; Dilated cardiomyopathy 1D. Last evaluated: 2023-04-06. Review status: criteria provided, single submitter. Criteria: Invitae Variant Classification Sherloc (09022015). Collection method: clinical testing. Allele origin: germline.
Comment: In summary, the available evidence is currently insufficient to determine the role of this variant in disease. Therefore, it has been classified as a Variant of Uncertain Significance. Advanced modeling of protein sequence and biophysical properties (such as structural, functional, and spatial information, amino acid conservation, physicochemical variation, residue mobility, and thermodynamic stability) has been performed at Invitae for this missense variant, however the output from this modeling did not meet the statistical confidence thresholds required to predict the impact of this variant on TNNT2 protein function. This variant has not been reported in the literature in individuals affected with TNNT2-related conditions. This variant is not present in population databases (gnomAD no frequency). This sequence change replaces alanine, which is neutral and non-polar, with serine, which is neutral and polar, at codon 32 of the TNNT2 protein (p.Ala32Ser).

NM_001276345.2(TNNT2):c.124G>T (p.Ala42Ser)

Gene: TNNT2 (troponin T2, cardiac type; minus strand). Cytogenetic location: 1q32.1.
Variant type: single nucleotide variant.
Coding change: c.124G>T on transcript NM_001276345.2 (MANE Select); coding-DNA position 124, G replaced by T.
Protein change: p.Ala42Ser; replaces alanine 42 with serine.
Molecular consequence: missense variant.
Genome position (GRCh38, 1-based): chr1:201,368,201, C>A on the plus strand (G>T on the coding strand, the complement: TNNT2 is on the minus strand). VCF-style: chr1-201368201-C-A. GRCh37 (hg19) VCF-style: chr1-201337329-C-A.
Other names: c.124G>T, p.Ala42Ser (NM_000364.4, NM_001276346.2, NM_001406723.1); c.94G>T, p.Ala32Ser (NM_001001430.3, NM_001001431.3, NM_001276347.2 and 4 more transcripts); c.79G>T, p.Ala27Ser (NM_001001432.3, NM_001406728.1); short protein forms A42S, A32S, A27S.
Identifiers: ClinVar variation 2933699 (VCV002933699.3), dbSNP rs1571649102, ClinGen allele CA344207325.